The following is an entry in ClinVar:

ClinVar aggregate classification (germline): Uncertain significance. Review status: criteria provided, multiple submitters, no conflicts (2 of 4 stars). 2 submissions from 2 submitters: Uncertain significance (2). Last evaluated 2026-02-23.

Conditions:
Cardiovascular phenotype. Identifiers: MedGen CN230736.
Brugada syndrome 5 (BRGDA5). Identifiers: Orphanet 130, Orphanet 871, MedGen C2748541, MONDO:0013015, OMIM 612838.

Allele frequency attached by ClinVar (database versions not stated): gnomAD 0.00001; TOPMed 0.00001; ExAC 0.00002; ESP Exome Variant Server 0.00008.
gnomAD v4.1: 11 of 1,613,964 alleles (0.00068%); highest among the groups gnomAD compares: African/African-American, 0.0013%; no homozygotes.

Submissions (3):

Ambry Genetics
Classification: Uncertain significance for Cardiovascular phenotype. Last evaluated: 2026-02-23. Review status: criteria provided, single submitter. Criteria: Ambry Variant Classification Scheme 2023. Collection method: clinical testing. Allele origin: germline.
Comment: The c.91G>A (p.V31M) alteration is located in exon 2 (coding exon 2) of the SCN1B gene. This alteration results from a G to A substitution at nucleotide position 91, causing the valine (V) at amino acid position 31 to be replaced by a methionine (M). Based on data from gnomAD, the A allele has an overall frequency of 0.001% (2/251224) total alleles studied. The highest observed frequency was 0.002% (2/113672) of European (non-Finnish) alleles. Based on insufficient or conflicting evidence, the clinical significance of this alteration remains unclear.

Labcorp Genetics (formerly Invitae), Labcorp
Classification: Uncertain significance for Brugada syndrome 5. Last evaluated: 2025-02-26. Review status: criteria provided, single submitter. Criteria: Invitae Variant Classification Sherloc (09022015). Collection method: clinical testing. Allele origin: germline.
Comment: This sequence change replaces valine, which is neutral and non-polar, with methionine, which is neutral and non-polar, at codon 31 of the SCN1B protein (p.Val31Met). This variant is present in population databases (rs368129661, gnomAD 0.007%). This variant has not been reported in the literature in individuals affected with SCN1B-related conditions. ClinVar contains an entry for this variant (Variation ID: 1766168). An algorithm developed to predict the effect of missense changes on protein structure and function (PolyPhen-2) suggests that this variant is likely to be disruptive. In summary, the available evidence is currently insufficient to determine the role of this variant in disease. Therefore, it has been classified as a Variant of Uncertain Significance.

Dr. Peter K. Rogan Lab, Western University
No classification provided (evidence only). Condition: Thyroid cancer, nonmedullary, 1. Review status: no classification provided. Collection method: in vitro. Allele origin: not applicable. Functional consequence: retained intron. Not counted in ClinVar's aggregate classification.

NM_001037.5(SCN1B):c.91G>A (p.Val31Met)

Gene: SCN1B (sodium voltage-gated channel beta subunit 1; plus strand). Cytogenetic location: 19q13.11.
Variant type: single nucleotide variant.
Coding change: c.91G>A on transcript NM_001037.5 (MANE Select); coding-DNA position 91, G replaced by A.
Protein change: p.Val31Met; replaces valine 31 with methionine.
Molecular consequence: missense variant. On other transcripts: 5 prime UTR variant (1).
Genome position (GRCh38, 1-based): chr19:35,032,578, G>A. VCF-style: chr19-35032578-G-A. GRCh37 (hg19) VCF-style: chr19-35523482-G-A.
Other names: c.-9G>A (NM_001321605.2); c.91G>A, p.Val31Met (NM_199037.5); short protein forms V31M.
Identifiers: ClinVar variation 1766168 (VCV001766168.9), dbSNP rs368129661, ClinGen allele CA9371956.